The following is an entry in ClinVar:

NM_000038.6(APC):c.3404del (p.Tyr1135fs)

Gene: APC (APC regulator of Wnt signaling pathway; plus strand). Cytogenetic location: 5q22.2.
Variant type: Deletion.
Coding change: c.3404del on transcript NM_000038.6 (MANE Select); coding-DNA position 3404, one base deleted (A; older notation c.3404delA).
Protein change: p.Tyr1135fs; shifts the reading frame from tyrosine 1135.
Molecular consequence: frameshift variant. On other transcripts: non-coding transcript variant (2).
Genome position (GRCh38, 1-based): chr5:112,838,998, A deleted. VCF-style (leftmost placement, unchanged base first): chr5-112838997-TA-T. GRCh37 (hg19) VCF-style: chr5-112174694-TA-T.
Other names: c.3404del, p.Tyr1135fs (NM_001127510.3, NM_001354895.2, NM_001407450.1); c.3350del, p.Tyr1117fs (NM_001127511.3); c.3458del, p.Tyr1153fs (NM_001354896.2, NM_001407447.1, NM_001407448.1 and 1 more transcripts); c.3434del, p.Tyr1145fs (NM_001354897.2); c.3329del, p.Tyr1110fs (NM_001354898.2); c.3320del, p.Tyr1107fs (NM_001354899.2); c.3281del, p.Tyr1094fs (NM_001354900.2); c.3227del, p.Tyr1076fs (NM_001354901.2, NM_001407453.1); and 11 more; short protein forms Y1009fs, Y1034fs, Y1145fs, Y751fs, Y1044fs, Y1076fs, Y1110fs, Y1125fs.
Identifiers: ClinVar variation 4713565 (VCV004713565.1).

ClinVar aggregate classification (germline): Pathogenic (1 of 4 stars; one submission).

Conditions:
Familial adenomatous polyposis 1 (FAP1). Also called: FAMILIAL ADENOMATOUS POLYPOSIS 1, ATTENUATED; POLYPOSIS, ADENOMATOUS INTESTINAL. Identifiers: MedGen C2713442, MONDO:0021056, OMIM 175100. Disease mechanism: loss of function.

Submission:

Labcorp Genetics (formerly Invitae), Labcorp
Classification: Pathogenic for Familial adenomatous polyposis 1. Last evaluated: 2025-02-20. Review status: criteria provided, single submitter. Criteria: Invitae Variant Classification Sherloc (09022015). Collection method: clinical testing. Allele origin: germline.
Comment: This sequence change creates a premature translational stop signal (p.Tyr1135Leufs*30) in the APC gene. While this is not anticipated to result in nonsense mediated decay, it is expected to disrupt the last 1709 amino acid(s) of the APC protein. This variant is not present in population databases (gnomAD no frequency). This variant has not been reported in the literature in individuals affected with APC-related conditions. This variant is expected to disrupt the EB1 and HDLG binding sites, which mediate interactions with the cytoskeleton (PMID: 15311282, 17293347). While functional studies have not been performed to directly test the effect on APC protein function, this suggests that disruption of the C-terminal portion of the protein is functionally important. A different truncation (p.Tyr2645Lysfs*14) that lies downstream of this variant has been determined to be pathogenic (PMID: 9824584, 1316610, 27081525, 8381579, 22135120, internal data). This suggests that deletion of this region of the APC protein is causative of disease. For these reasons, this variant has been classified as Pathogenic.

Literature cited by the submitters: PubMed 15311282; PubMed 17293347; PubMed 9824584; PubMed 1316610; PubMed 27081525; PubMed 8381579; PubMed 22135120.